The following is an entry in ClinVar:

ClinVar aggregate classification (germline): Likely benign. Review status: criteria provided, multiple submitters, no conflicts (2 of 4 stars). 5 submissions from 5 submitters: Likely benign (5). Last evaluated 2026-03-27.

Conditions:
Cardiovascular phenotype. Identifiers: MedGen CN230736.
Autosomal recessive limb-girdle muscular dystrophy type 2J (LGMDR10). Also called: Limb-girdle muscular dystrophy, type 2J; MUSCULAR DYSTROPHY, LIMB-GIRDLE, AUTOSOMAL RECESSIVE 10. Identifiers: Orphanet 140922, MedGen C1837342, MONDO:0012127, OMIM 608807.
Dilated cardiomyopathy 1G (CMD1G). Identifiers: Orphanet 154, MedGen C1858763, MONDO:0011400, OMIM 604145.

Submissions (5):

Molecular Diagnostic Laboratory for Inherited Cardiovascular Disease, Montreal Heart Institute
Classification: Likely benign. Last evaluated: 2026-03-27. Review status: criteria provided, single submitter. Criteria: ACMG Guidelines, 2015. Collection method: clinical testing. Allele origin: germline. Affected: no.

Labcorp Genetics (formerly Invitae), Labcorp
Classification: Likely benign for Dilated cardiomyopathy 1G; Autosomal recessive limb-girdle muscular dystrophy type 2J. Last evaluated: 2025-05-08. Review status: criteria provided, single submitter. Criteria: Invitae Variant Classification Sherloc (09022015). Collection method: clinical testing. Allele origin: germline.

Women's Health and Genetics/Laboratory Corporation of America, LabCorp
Classification: Likely benign. Last evaluated: 2025-04-29. Review status: criteria provided, single submitter. Criteria: LabCorp Variant Classification Summary - May 2015. Collection method: clinical testing. Allele origin: germline.
Comment: Variant summary: TTN c.48347-7_48347-5delAAT alters a non-conserved nucleotide located at a position not widely known to affect splicing. Consensus agreement among computation tools predict no significant impact on normal splicing. However, these predictions have yet to be confirmed by functional studies. The variant allele was found at a frequency of 1e-05 in 196678 control chromosomes. The available data on variant occurrences in the general population are insufficient to allow any conclusion about variant significance. To our knowledge, no occurrence of c.48347-7_48347-5delAAT in individuals affected with TTN-related conditions and no experimental evidence demonstrating its impact on protein function have been reported. ClinVar contains an entry for this variant (Variation ID: 696610). Based on the evidence outlined above, the variant was classified as likely benign.

Ambry Genetics
Classification: Likely benign for Cardiovascular phenotype. Last evaluated: 2024-11-21. Review status: criteria provided, single submitter. Criteria: Ambry Variant Classification Scheme 2023. Collection method: clinical testing. Allele origin: germline.

GeneDx
Classification: Likely benign. Last evaluated: 2022-10-28. Review status: criteria provided, single submitter. Criteria: GeneDx Variant Classification Process June 2021. Collection method: clinical testing. Allele origin: germline.
Comment: See Variant Classification Assertion Criteria.

NM_001267550.2(TTN):c.56051-7_56051-5del

Genes: TTN (titin; minus strand), TTN-AS1 (TTN antisense RNA 1; plus strand). Cytogenetic location: 2q31.2.
Variant type: Microsatellite.
Coding change: c.56051-7_56051-5del on transcript NM_001267550.2 (MANE Select); 7 bases into the intron before coding-DNA position 56051 through 5 bases into the intron before coding-DNA position 56051, 3 bases deleted (AAT; older notation c.56051-7_56051-5delAAT).
Molecular consequence: intron variant.
Genome position (GRCh38, 1-based): chr2:178,599,855-178,599,857, ATT deleted on the plus strand (AAT on the coding strand, the reverse complement: TTN is on the minus strand); deleting any 3 consecutive bases within chr2:178,599,855-178,599,860 gives the same sequence; the c. name uses the placement nearest the transcript's 3' end. VCF-style (leftmost placement, unchanged base first): chr2-178599854-GATT-G. GRCh37 (hg19) VCF-style: chr2-179464581-GATT-G.
Other names: c.56051-7_56051-5delAAT (NM_001267550.2); c.28856-7_28856-5delAAT (NM_003319.4); c.28856-7_28856-5del (NM_003319.4); c.29432-7_29432-5del (NM_133437.4); c.29231-7_29231-5del (NM_133432.3); c.48347-7_48347-5del (NM_133378.4); c.51128-7_51128-5del (NM_001256850.1); c.48347-7_48347-5delAAT (NM_133378.4).
Identifiers: ClinVar variation 696610 (VCV000696610.16), dbSNP rs774966673, ClinGen allele CA1993316.
Genomic context (GRCh38, chr2:178,599,854, plus strand): 5'-TAACATTGGTTCCTTCTTCAACCTCCATGAATTCTTTTAGATCAATTGATGGTGGGCCTA[GATT>G]ATTTAAAAAAAGTTGTCATTAGGAGCAAAAAGCATTGAGGGATAGAAAGTAGAATTCACA-3'